The following is an entry in ClinVar:

ClinVar aggregate classification (germline): Pathogenic. Review status: criteria provided, multiple submitters, no conflicts (2 of 4 stars). 2 submissions from 2 submitters: Pathogenic (2). Last evaluated 2023-05-26.

Conditions:
Juvenile polyposis syndrome (JPS). Identifiers: Orphanet 2929, MedGen C0345893, MONDO:0017380, OMIM 174900.
Hereditary cancer-predisposing syndrome. Also called: Neoplastic Syndromes, Hereditary; Tumor predisposition; Hereditary neoplastic syndrome; Hereditary Cancer Syndrome. Identifiers: Orphanet 140162, MedGen C0027672, MeSH D009386, MONDO:0015356.

Submissions (2):

Myriad Genetics, Inc.
Classification: Pathogenic for Juvenile polyposis syndrome. Last evaluated: 2023-05-26. Review status: criteria provided, single submitter. Criteria: Myriad Autosomal Dominant, Autosomal Recessive and X-Linked Classification Criteria (2023). Collection method: clinical testing. Allele origin: unknown.
Comment: This variant is considered pathogenic. This variant creates a frameshift predicted to result in premature protein truncation.

Ambry Genetics
Classification: Pathogenic for Hereditary cancer-predisposing syndrome. Last evaluated: 2015-11-27. Review status: criteria provided, single submitter. Criteria: Ambry Variant Classification Scheme 2023. Collection method: clinical testing. Allele origin: germline.
Comment: The c.767_777del11 pathogenic mutation, located in coding exon 7 of the BMPR1A gene, results from a deletion of 11 nucleotides at positions 767 to 777, causing a translational frameshift with a predicted alternate stop codon. Since frameshifts are typically deleterious in nature, this alteration is interpreted as a disease-causing mutation (ACMG Recommendations for Standards for Interpretation and Reporting of Sequence Variations. Revision 2007. Genet Med. 2008;10:294).

NM_004329.3(BMPR1A):c.767_777del (p.Glu256fs)

Gene: BMPR1A (bone morphogenetic protein receptor type 1A; plus strand). Cytogenetic location: 10q23.2.
Variant type: Deletion.
Coding change: c.767_777del on transcript NM_004329.3 (MANE Select); coding-DNA positions 767 to 777, 11 bases deleted (AAAAAGTGGCG).
Protein change: p.Glu256fs; shifts the reading frame from glutamic acid 256.
Molecular consequence: frameshift variant.
Genome position (GRCh38, 1-based): chr10:86,917,225-86,917,235, AAAAAGTGGCG deleted; deleting any 11 consecutive bases within chr10:86,917,219-86,917,235 gives the same sequence; the c. name uses the placement nearest the transcript's 3' end. VCF-style (leftmost placement, unchanged base first): chr10-86917218-CGTGGCGAAAAA-C. GRCh37 (hg19) VCF-style: chr10-88676975-CGTGGCGAAAAA-C.
Other names: c.767_777del11 (NM_004329.2); c.842_852delAAAAAGTGGCG, p.Glu281Glyfs (NM_001406559.1); c.815_825delAAAAAGTGGCG, p.Glu272Glyfs (NM_001406560.1); c.767_777delAAAAAGTGGCG, p.Glu256Glyfs (NM_001406561.1, NM_001406562.1, NM_001406563.1 and 19 more transcripts); c.761_771delAAAAAGTGGCG, p.Glu254Glyfs (NM_001406583.1); c.683_693delAAAAAGTGGCG, p.Glu228Glyfs (NM_001406584.1, NM_001406585.1, NM_001406586.1 and 2 more transcripts); c.425_435delAAAAAGTGGCG, p.Glu142Glyfs (NM_001406589.1); short protein forms E256fs.
Identifiers: ClinVar variation 1760075 (VCV001760075.4), dbSNP rs2539603621, ClinGen allele CA2580082102.